The following is an entry in ClinVar:

NM_004304.5(ALK):c.432G>C (p.Glu144Asp)

Gene: ALK (ALK receptor tyrosine kinase; minus strand). Cytogenetic location: 2p23.1.
Variant type: single nucleotide variant.
Coding change: c.432G>C on transcript NM_004304.5 (MANE Select); coding-DNA position 432, G replaced by C.
Protein change: p.Glu144Asp; replaces glutamic acid 144 with aspartic acid.
Molecular consequence: missense variant.
Genome position (GRCh38, 1-based): chr2:29,920,228, C>G on the plus strand (G>C on the coding strand, the complement: ALK is on the minus strand). VCF-style: chr2-29920228-C-G. GRCh37 (hg19) VCF-style: chr2-30143094-C-G.
Other names: short protein forms E144D.
Identifiers: ClinVar variation 4273013 (VCV004273013.1).

ClinVar aggregate classification (germline): Uncertain significance (1 of 4 stars; one submission).

Conditions:
Hereditary cancer-predisposing syndrome. Also called: Hereditary Cancer Syndrome; Hereditary neoplastic syndrome; Neoplastic Syndromes, Hereditary; Tumor predisposition. Identifiers: Orphanet 140162, MedGen C0027672, MeSH D009386, MONDO:0015356.

Submission:

Ambry Genetics
Classification: Uncertain significance for Hereditary cancer-predisposing syndrome. Last evaluated: 2025-08-20. Review status: criteria provided, single submitter. Criteria: Ambry Variant Classification Scheme 2023. Collection method: clinical testing. Allele origin: germline.
Comment: The p.E144D variant (also known as c.432G>C), located in coding exon 1 of the ALK gene, results from a G to C substitution at nucleotide position 432. The glutamic acid at codon 144 is replaced by aspartic acid, an amino acid with highly similar properties. This amino acid position is highly conserved in available vertebrate species. In addition, the in silico prediction for this alteration is inconclusive. Based on the available evidence, the clinical significance of this variant remains unclear.